The following is an entry in ClinVar:

ClinVar aggregate classification (germline): Pathogenic (1 of 4 stars; one submission).

Conditions:
Retinoblastoma (RB1). Also called: RETINOBLASTOMA, SOMATIC. Identifiers: Orphanet 790, MedGen C0035335, MeSH D012175, MONDO:0008380, OMIM 180200, HP:0009919. Disease mechanism: loss of function. Inheritance: Both sporadic and heritable forms are tested..

Submission:

Genetic Diagnostic Laboratory, University of Pennsylvania School of Medicine
Classification: Pathogenic for Retinoblastoma. Last evaluated: 2024-05-20. Review status: criteria provided, single submitter. Criteria: ACMG Guidelines, 2015. Collection method: clinical testing. Allele origin: germline. Affected: yes. Observed: 2 variant alleles.
Comment: Case and Pedigree Information: BILATERAL CASES:2, UNILATERAL CASES:0, TOTAL CASES:2, PEDIGREES:2. ACMG Codes Applied:PVS1, PM2

NM_000321.3(RB1):c.2175_2176insT (p.Thr726fs)

Gene: RB1 (RB transcriptional corepressor 1; plus strand). Cytogenetic location: 13q14.2.
Variant type: Insertion.
Coding change: c.2175_2176insT on transcript NM_000321.3 (MANE Select); coding-DNA positions 2175 to 2176, T inserted.
Protein change: p.Thr726fs; shifts the reading frame from threonine 726.
Molecular consequence: frameshift variant.
Genome position: GRCh38 VCF-style: chr13-48463799-A-AT. GRCh37 (hg19) VCF-style: chr13-49037935-A-AT.
Other names: c.2175_2176insT, p.Thr726fs (NM_001407165.1); short protein forms T726fs.
Identifiers: ClinVar variation 3237072 (VCV003237072.1), dbSNP rs2542373705.